The following is an entry in ClinVar:

ClinVar aggregate classification (germline): Uncertain significance (1 of 4 stars; one submission).

Conditions:
Neuromuscular disease caused by qualitative or quantitative defects of dysferlin. Also called: Qualitative or quantitative defects of dysferlin; Dysferlinopathy. Identifiers: Orphanet 207073, MedGen C2931687, MONDO:0016145.

Submission:

Labcorp Genetics (formerly Invitae), Labcorp
Classification: Uncertain significance for Neuromuscular disease caused by qualitative or quantitative defects of dysferlin. Last evaluated: 2021-05-19. Review status: criteria provided, single submitter. Criteria: Invitae Variant Classification Sherloc (09022015). Collection method: clinical testing. Allele origin: germline.
Comment: This sequence change replaces glutamic acid with glutamine at codon 866 of the DYSF protein (p.Glu866Gln). The glutamic acid residue is moderately conserved and there is a small physicochemical difference between glutamic acid and glutamine. This variant is not present in population databases (ExAC no frequency). This variant has not been reported in the literature in individuals with DYSF-related conditions. Advanced modeling of protein sequence and biophysical properties (such as structural, functional, and spatial information, amino acid conservation, physicochemical variation, residue mobility, and thermodynamic stability) performed at Invitae indicates that this missense variant is not expected to disrupt DYSF protein function. In summary, the available evidence is currently insufficient to determine the role of this variant in disease. Therefore, it has been classified as a Variant of Uncertain Significance.

NM_001130987.2(DYSF):c.2650G>C (p.Glu884Gln)

Gene: DYSF (dysferlin; plus strand). Cytogenetic location: 2p13.2.
Variant type: single nucleotide variant.
Coding change: c.2650G>C on transcript NM_001130987.2 (MANE Select); coding-DNA position 2650, G replaced by C.
Protein change: p.Glu884Gln; replaces glutamic acid 884 with glutamine.
Molecular consequence: missense variant.
Genome position (GRCh38, 1-based): chr2:71,568,035, G>C. VCF-style: chr2-71568035-G-C. GRCh37 (hg19) VCF-style: chr2-71795165-G-C.
Other names: c.2599G>C, p.Glu867Gln (NM_001130983.2, NM_001130455.2); c.2557G>C, p.Glu853Gln (NM_001130984.2, NM_001130986.2); c.2650G>C, p.Glu884Gln (NM_001130985.2); c.2596G>C, p.Glu866Gln (NM_003494.4, NM_001130978.2); c.2554G>C, p.Glu852Gln (NM_001130976.2, NM_001130977.2); c.2689G>C, p.Glu897Gln (NM_001130979.2); c.2647G>C, p.Glu883Gln (NM_001130980.2, NM_001130981.2); c.2692G>C, p.Glu898Gln (NM_001130982.2); short protein forms E884Q, E898Q, E852Q, E883Q, E897Q, E867Q, E853Q, E866Q.
Identifiers: ClinVar variation 1447721 (VCV001447721.8), dbSNP rs2092210085, ClinGen allele CA347213741.